The following is an entry in ClinVar:

ClinVar aggregate classification (germline): Uncertain significance. Review status: criteria provided, multiple submitters, no conflicts (2 of 4 stars). 3 submissions from 3 submitters: Uncertain significance (3). Last evaluated 2025-12-16.

Conditions:
Fanconi anemia (FA). Also called: Fanconi's anemia. Identifiers: Orphanet 84, MedGen C0015625, MeSH D005199, MONDO:0019391.
Inborn genetic diseases. Identifiers: MedGen C0950123, MeSH D030342.

Allele frequency attached by ClinVar (database versions not stated): 1000 Genomes Project 30x 0.00016.
gnomAD v4.1: 9 of 1,601,594 alleles (0.00056%); highest among the groups gnomAD compares: African/African-American, 0.012%; 1 homozygote.

Submissions (3):

Ambry Genetics
Classification: Uncertain significance for Inborn genetic diseases. Last evaluated: 2025-12-16. Review status: criteria provided, single submitter. Criteria: Ambry Variant Classification Scheme 2023. Collection method: clinical testing. Allele origin: germline.

GeneDx
Classification: Uncertain significance. Last evaluated: 2024-06-05. Review status: criteria provided, single submitter. Criteria: GeneDx Variant Classification Process June 2021. Collection method: clinical testing. Allele origin: germline. Affected: yes.
Comment: Not observed at significant frequency in large population cohorts (gnomAD); In silico analysis indicates that this missense variant does not alter protein structure/function; Has not been previously published as pathogenic or benign to our knowledge

Labcorp Genetics (formerly Invitae), Labcorp
Classification: Uncertain significance for Fanconi anemia. Last evaluated: 2024-05-20. Review status: criteria provided, single submitter. Criteria: Invitae Variant Classification Sherloc (09022015). Collection method: clinical testing. Allele origin: germline.
Comment: This sequence change replaces glutamic acid, which is acidic and polar, with aspartic acid, which is acidic and polar, at codon 682 of the FANCM protein (p.Glu682Asp). This variant is present in population databases (rs201216865, gnomAD 0.007%). This variant has not been reported in the literature in individuals affected with FANCM-related conditions. ClinVar contains an entry for this variant (Variation ID: 2578104). An algorithm developed to predict the effect of missense changes on protein structure and function (PolyPhen-2) suggests that this variant is likely to be tolerated. In summary, the available evidence is currently insufficient to determine the role of this variant in disease. Therefore, it has been classified as a Variant of Uncertain Significance.

NM_020937.4(FANCM):c.2046A>T (p.Glu682Asp)

Gene: FANCM (FA complementation group M; plus strand). Cytogenetic location: 14q21.2.
Variant type: single nucleotide variant.
Coding change: c.2046A>T on transcript NM_020937.4 (MANE Select); coding-DNA position 2046, A replaced by T.
Protein change: p.Glu682Asp; replaces glutamic acid 682 with aspartic acid.
Molecular consequence: missense variant.
Genome position (GRCh38, 1-based): chr14:45,170,632, A>T. VCF-style: chr14-45170632-A-T. GRCh37 (hg19) VCF-style: chr14-45639835-A-T.
Other names: c.1968A>T, p.Glu656Asp (NM_001308133.2); short protein forms E656D, E682D.
Identifiers: ClinVar variation 2578104 (VCV002578104.7), dbSNP rs201216865, ClinGen allele CA7169229.